The following is an entry in ClinVar:

NM_206933.4(USH2A):c.9668G>C (p.Cys3223Ser)

Gene: USH2A (usherin; minus strand). Cytogenetic location: 1q41.
Variant type: single nucleotide variant.
Coding change: c.9668G>C on transcript NM_206933.4 (MANE Select); coding-DNA position 9668, G replaced by C.
Protein change: p.Cys3223Ser; replaces cysteine 3223 with serine.
Molecular consequence: missense variant.
Genome position (GRCh38, 1-based): chr1:215,813,807, C>G on the plus strand (G>C on the coding strand, the complement: USH2A is on the minus strand). VCF-style: chr1-215813807-C-G. GRCh37 (hg19) VCF-style: chr1-215987149-C-G.
Other names: short protein forms C3223S.
Identifiers: ClinVar variation 867063 (VCV000867063.4), dbSNP rs1662773660, ClinGen allele CA344821797.
Genomic context (GRCh38, chr1:215,813,807, plus strand): 5'-CTAGCGTAATACCCAGAGCAGCACTGATGATTTGGTTGTGCCTCCTGTATTCGGCCACCA[C>G]AACAAACTCCAGTAGAATTCAGAACAAACGGGATATACTTTTCTTCACAACAGCGATGTC-3'
Protein context (NP_996816.3, residues 3213-3233): PFVLNSTGVC[Cys3223Ser]GGRIQEAQPN

ClinVar aggregate classification (germline): Uncertain significance. Review status: criteria provided, multiple submitters, no conflicts (2 of 4 stars). 2 submissions from 2 submitters: Uncertain significance (2). Last evaluated 2025-01-07.

Submissions (2):

Labcorp Genetics (formerly Invitae), Labcorp
Classification: Uncertain significance. Last evaluated: 2025-01-07. Review status: criteria provided, single submitter. Criteria: Invitae Variant Classification Sherloc (09022015). Collection method: clinical testing. Allele origin: germline.
Comment: This sequence change replaces cysteine, which is neutral and slightly polar, with serine, which is neutral and polar, at codon 3223 of the USH2A protein (p.Cys3223Ser). This variant is not present in population databases (gnomAD no frequency). This variant has not been reported in the literature in individuals affected with USH2A-related conditions. ClinVar contains an entry for this variant (Variation ID: 867063). Invitae Evidence Modeling of protein sequence and biophysical properties (such as structural, functional, and spatial information, amino acid conservation, physicochemical variation, residue mobility, and thermodynamic stability) indicates that this missense variant is expected to disrupt USH2A protein function with a positive predictive value of 95%. In summary, the available evidence is currently insufficient to determine the role of this variant in disease. Therefore, it has been classified as a Variant of Uncertain Significance.

Blueprint Genetics
Classification: Uncertain significance. Last evaluated: 2019-01-09. Review status: criteria provided, single submitter. Criteria: ACMG Guidelines, 2015. Collection method: clinical testing. Allele origin: germline.